The following is an entry in ClinVar:

NM_145691.4(ATPAF2):c.156T>G (p.Asn52Lys)

Gene: ATPAF2 (ATP synthase mitochondrial F1 complex assembly factor 2; minus strand). Cytogenetic location: 17p11.2.
Variant type: single nucleotide variant.
Coding change: c.156T>G on transcript NM_145691.4 (MANE Select); coding-DNA position 156, T replaced by G.
Protein change: p.Asn52Lys; replaces asparagine 52 with lysine.
Molecular consequence: missense variant.
Genome position (GRCh38, 1-based): chr17:18,028,637, A>C on the plus strand (T>G on the coding strand, the complement: ATPAF2 is on the minus strand). VCF-style: chr17-18028637-A-C. GRCh37 (hg19) VCF-style: chr17-17931951-A-C.
Other names: short protein forms N52K.
Identifiers: ClinVar variation 3808524 (VCV003808524.2).

ClinVar aggregate classification (germline): Uncertain significance. Review status: criteria provided, multiple submitters, no conflicts (2 of 4 stars). 2 submissions from 2 submitters: Uncertain significance (2). Last evaluated 2025-07-06.

gnomAD v4.1: 15 of 1,613,348 alleles (0.00093%); highest among the groups gnomAD compares: Non-Finnish European, 0.0013%; no homozygotes.

Submissions (2):

Labcorp Genetics (formerly Invitae), Labcorp
Classification: Uncertain significance. Last evaluated: 2025-07-06. Review status: criteria provided, single submitter. Criteria: Invitae Variant Classification Sherloc (09022015). Collection method: clinical testing. Allele origin: germline.
Comment: This sequence change replaces asparagine, which is neutral and polar, with lysine, which is basic and polar, at codon 52 of the ATPAF2 protein (p.Asn52Lys). This variant is present in population databases (rs370797755, gnomAD 0.003%). This variant has not been reported in the literature in individuals affected with ATPAF2-related conditions. ClinVar contains an entry for this variant (Variation ID: 3808524). Invitae Evidence Modeling of protein sequence and biophysical properties (such as structural, functional, and spatial information, amino acid conservation, physicochemical variation, residue mobility, and thermodynamic stability) indicates that this missense variant is not expected to disrupt ATPAF2 protein function with a negative predictive value of 80%. In summary, the available evidence is currently insufficient to determine the role of this variant in disease. Therefore, it has been classified as a Variant of Uncertain Significance.

Ambry Genetics
Classification: Uncertain significance. Last evaluated: 2024-12-28. Review status: criteria provided, single submitter. Criteria: Ambry Variant Classification Scheme 2023. Collection method: clinical testing. Allele origin: germline.